The following is an entry in ClinVar:

ClinVar aggregate classification (germline): Conflicting classifications of pathogenicity. Review status: criteria provided, conflicting classifications (1 of 4 stars). 7 submissions from 7 submitters: Uncertain significance (1); Likely benign (3). 3 of the submissions do not count toward it. Last evaluated 2025-05-12.

Conditions:
Hypertrophic cardiomyopathy 1 (CMH1). Also called: Familial hypertrophic cardiomyopathy 1; MYH7-Related Familial Hypertrophic Cardiomyopathy. Identifiers: MedGen C3495498, MONDO:0008647, OMIM 192600.

Allele frequency attached by ClinVar (database versions not stated): gnomAD 0.00004 and 0.00005; 1000 Genomes Project 30x 0.00016; 1000 Genomes Project 0.00020; gnomAD exomes 0.00003; TOPMed 0.00003; ExAC 0.00004.

Submissions (7):

Labcorp Genetics (formerly Invitae), Labcorp
Classification: Likely benign for Hypertrophic cardiomyopathy 1. Last evaluated: 2025-05-12. Review status: criteria provided, single submitter. Criteria: Invitae Variant Classification Sherloc (09022015). Collection method: clinical testing. Allele origin: germline.

Ambry Genetics
Classification: Likely benign. Last evaluated: 2023-07-21. Review status: criteria provided, single submitter. Criteria: Ambry Variant Classification Scheme 2023. Collection method: clinical testing. Allele origin: germline.

CeGaT Center for Human Genetics Tuebingen
Classification: Uncertain significance. Last evaluated: 2016-10-01. Review status: criteria provided, single submitter. Criteria: CeGaT Center For Human Genetics Tuebingen Variant Classification Criteria Version 2. Collection method: clinical testing. Allele origin: germline. Affected: yes. Observed: 1 variant allele.

Laboratory for Molecular Medicine, Mass General Brigham Personalized Medicine
Classification: Likely benign. Last evaluated: 2014-11-12. Review status: criteria provided, single submitter. Criteria: LMM Criteria. Collection method: clinical testing. Allele origin: germline. Observed: 1 variant allele.
Comment: p.Ala139Ala in exon 3 of MYLK2: This variant is not expected to have clinical si gnificance because it does not alter an amino acid residue and is not located wi thin the splice consensus sequence.

Diagnostic Laboratory, Department of Genetics, University Medical Center Groningen
Classification: Likely benign. Review status: no assertion criteria provided. Collection method: clinical testing. Allele origin: germline. Affected: yes. Study: VKGL Data-share Consensus. Not counted in ClinVar's aggregate classification.

Genome Diagnostics Laboratory, University Medical Center Utrecht
Classification: Likely benign. Review status: no assertion criteria provided. Collection method: clinical testing. Allele origin: germline. Affected: yes. Study: VKGL Data-share Consensus. Not counted in ClinVar's aggregate classification.

Joint Genome Diagnostic Labs from Nijmegen and Maastricht, Radboudumc and MUMC+
Classification: Likely benign. Review status: no assertion criteria provided. Collection method: clinical testing. Allele origin: germline. Affected: yes. Study: VKGL Data-share Consensus. Not counted in ClinVar's aggregate classification.

NM_033118.4(MYLK2):c.417C>T (p.Ala139=)

Gene: MYLK2 (myosin light chain kinase 2; plus strand). Cytogenetic location: 20q11.21.
Variant type: single nucleotide variant.
Coding change: c.417C>T on transcript NM_033118.4 (MANE Select); coding-DNA position 417, C replaced by T.
Protein change: p.Ala139=; no amino-acid change (alanine 139 retained).
Molecular consequence: synonymous variant.
Genome position (GRCh38, 1-based): chr20:31,820,490, C>T. VCF-style: chr20-31820490-C-T. GRCh37 (hg19) VCF-style: chr20-30408293-C-T.
Identifiers: ClinVar variation 180080 (VCV000180080.61), dbSNP rs560951755, ClinGen allele CA185768.